The following is an entry in ClinVar:

ClinVar aggregate classification (germline): Uncertain significance (1 of 4 stars; one submission).

Allele frequency attached by ClinVar (database versions not stated): gnomAD 0.00001; gnomAD exomes 0.00001; TOPMed 0.00001.
gnomAD v4.1: 15 of 1,613,840 alleles (0.00093%); highest among the groups gnomAD compares: Non-Finnish European, 0.0012%; no homozygotes.

Submission:

Labcorp Genetics (formerly Invitae), Labcorp
Classification: Uncertain significance. Last evaluated: 2022-08-16. Review status: criteria provided, single submitter. Criteria: Invitae Variant Classification Sherloc (09022015). Collection method: clinical testing. Allele origin: germline.
Comment: This sequence change replaces proline, which is neutral and non-polar, with arginine, which is basic and polar, at codon 276 of the FAM161A protein (p.Pro276Arg). This variant is not present in population databases (gnomAD no frequency). This variant has not been reported in the literature in individuals affected with FAM161A-related conditions. ClinVar contains an entry for this variant (Variation ID: 1358354). Algorithms developed to predict the effect of missense changes on protein structure and function (SIFT, PolyPhen-2, Align-GVGD) all suggest that this variant is likely to be tolerated. In summary, the available evidence is currently insufficient to determine the role of this variant in disease. Therefore, it has been classified as a Variant of Uncertain Significance.

NM_001201543.2(FAM161A):c.827C>G (p.Pro276Arg)

Gene: FAM161A (FAM161 centrosomal protein A; minus strand). Cytogenetic location: 2p15.
Variant type: single nucleotide variant.
Coding change: c.827C>G on transcript NM_001201543.2 (MANE Select); coding-DNA position 827, C replaced by G.
Protein change: p.Pro276Arg; replaces proline 276 with arginine.
Molecular consequence: missense variant. On other transcripts: non-coding transcript variant (1).
Genome position (GRCh38, 1-based): chr2:61,840,177, G>C on the plus strand (C>G on the coding strand, the complement: FAM161A is on the minus strand). VCF-style: chr2-61840177-G-C. GRCh37 (hg19) VCF-style: chr2-62067312-G-C.
Other names: c.827C>G, p.Pro276Arg (NM_032180.3); short protein forms P276R.
Identifiers: ClinVar variation 1358354 (VCV001358354.3), dbSNP rs1672959135, ClinGen allele CA346988032.
Genomic context (GRCh38, chr2:61,840,177, plus strand): 5'-TAAAGGGGGAGAAAGACAGATGCAGGAACTGGATTGGCTCGGAATTTCTTCTTATACTCT[G>C]GATCCTCTTCTTGTTTTTTGAGCGCTTTATGTACCATTTCGATATCTGATTTAGATTTCA-3'
Protein context (NP_001188472.1, residues 266-286): HKALKKQEED[Pro276Arg]EYKKKFRANP